The following is an entry in ClinVar:

ClinVar aggregate classification (germline): Uncertain significance. Review status: criteria provided, multiple submitters, no conflicts (2 of 4 stars). 2 submissions from 2 submitters: Uncertain significance (2). Last evaluated 2025-11-13.

Conditions:
Inborn genetic diseases. Identifiers: MedGen C0950123, MeSH D030342.

Allele frequency attached by ClinVar (database versions not stated): gnomAD exomes 0.00003 and 0.00007; TOPMed 0.00004; 1000 Genomes Project 30x 0.00062; gnomAD 0.00001 and 0.00003; ExAC 0.00003; ESP Exome Variant Server 0.00008; 1000 Genomes Project 0.00040.
gnomAD v4.1: 47 of 1,614,154 alleles (0.0029%); highest among the groups gnomAD compares: Middle Eastern, 0.066%; 1 homozygote.

Submissions (2):

Ambry Genetics
Classification: Uncertain significance for Inborn genetic diseases. Last evaluated: 2025-11-13. Review status: criteria provided, single submitter. Criteria: Ambry Variant Classification Scheme 2023. Collection method: clinical testing. Allele origin: germline.

Labcorp Genetics (formerly Invitae), Labcorp
Classification: Uncertain significance. Last evaluated: 2022-04-13. Review status: criteria provided, single submitter. Criteria: Invitae Variant Classification Sherloc (09022015). Collection method: clinical testing. Allele origin: germline.
Comment: This sequence change replaces lysine, which is basic and polar, with glutamic acid, which is acidic and polar, at codon 95 of the GORAB protein (p.Lys95Glu). This variant is present in population databases (rs139675053, gnomAD 0.03%). This variant has not been reported in the literature in individuals affected with GORAB-related conditions. Algorithms developed to predict the effect of missense changes on protein structure and function output the following: SIFT: "Tolerated"; PolyPhen-2: "Benign"; Align-GVGD: "Class C0". The glutamic acid amino acid residue is found in multiple mammalian species, which suggests that this missense change does not adversely affect protein function. In summary, the available evidence is currently insufficient to determine the role of this variant in disease. Therefore, it has been classified as a Variant of Uncertain Significance.

NM_152281.3(GORAB):c.208A>G (p.Lys70Glu)

Gene: GORAB (golgin, RAB6 interacting; plus strand). Cytogenetic location: 1q24.2.
Variant type: single nucleotide variant.
Coding change: c.208A>G on transcript NM_152281.3 (MANE Select); coding-DNA position 208, A replaced by G.
Protein change: p.Lys70Glu; replaces lysine 70 with glutamic acid.
Molecular consequence: missense variant. On other transcripts: 5 prime UTR variant (1), non-coding transcript variant (1).
Genome position (GRCh38, 1-based): chr1:170,539,356, A>G. VCF-style: chr1-170539356-A-G. GRCh37 (hg19) VCF-style: chr1-170508497-A-G.
Other names: c.283A>G (NM_152281.2); c.208A>G, p.Lys70Glu (NM_001146039.2); c.-258A>G (NM_001320252.2); short protein forms K70E.
Identifiers: ClinVar variation 1444978 (VCV001444978.4), dbSNP rs139675053, ClinGen allele CA1239060.